The following is an entry in ClinVar:

NM_001012759.3(CTU2):c.1098-3C>G

Gene: CTU2 (cytosolic thiouridylase subunit 2; plus strand). Cytogenetic location: 16q24.3.
Variant type: single nucleotide variant.
Coding change: c.1098-3C>G on transcript NM_001012759.3 (MANE Select); 3 bases into the intron before coding-DNA position 1098, C replaced by G.
Molecular consequence: intron variant.
Genome position (GRCh38, 1-based): chr16:88,714,380, C>G. VCF-style: chr16-88714380-C-G. GRCh37 (hg19) VCF-style: chr16-88780788-C-G.
Other names: c.1311-3C>G (NM_001318507.2); c.1098-3C>G (NM_001012762.3); c.837-3C>G (NM_001318513.2).
Identifiers: ClinVar variation 3371850 (VCV003371850.1).

ClinVar aggregate classification (germline): Uncertain significance (1 of 4 stars; one submission).

gnomAD v4.1: 1 of 1,612,376 alleles (0.000062%); highest among the groups gnomAD compares: Non-Finnish European, 0.000085%; no homozygotes.

Submission:

GeneDx
Classification: Uncertain significance. Last evaluated: 2024-04-04. Review status: criteria provided, single submitter. Criteria: GeneDx Variant Classification Process June 2021. Collection method: clinical testing. Allele origin: germline. Affected: yes.
Comment: Not observed at significant frequency in large population cohorts (gnomAD); In silico analysis supports a deleterious effect on splicing; Has not been previously published as pathogenic or benign to our knowledge